The following is an entry in ClinVar:

NM_005982.4(SIX1):c.-45C>T

Gene: SIX1 (SIX homeobox 1; minus strand). Cytogenetic location: 14q23.1.
Variant type: single nucleotide variant.
Coding change: c.-45C>T on transcript NM_005982.4 (MANE Select); 45 bases upstream of the start codon, C replaced by T.
Molecular consequence: 5 prime UTR variant.
Genome position (GRCh38, 1-based): chr14:60,649,234, G>A on the plus strand (C>T on the coding strand, the complement: SIX1 is on the minus strand). VCF-style: chr14-60649234-G-A. GRCh37 (hg19) VCF-style: chr14-61115952-G-A.
Identifiers: ClinVar variation 680192 (VCV000680192.1), dbSNP rs1357305321, ClinGen allele CA915948899.

ClinVar aggregate classification (germline): Likely benign (1 of 4 stars; one submission).

Submission:

GeneDx
Classification: Likely benign. Last evaluated: 2018-03-13. Review status: criteria provided, single submitter. Criteria: GeneDx Variant Classification (06012015). Collection method: clinical testing. Allele origin: germline. Affected: yes.
Comment: This variant is considered likely benign or benign based on one or more of the following criteria: it is a conservative change, it occurs at a poorly conserved position in the protein, it is predicted to be benign by multiple in silico algorithms, and/or has population frequency not consistent with disease.